The following is an entry in ClinVar:

NM_016507.4(CDK12):c.435C>G (p.Asp145Glu)

Genes: CDK12 (cyclin dependent kinase 12; plus strand), LOC126862553 (CDK7 strongly-dependent group 2 enhancer GRCh37_chr17:37618166-37619365; plus strand). Cytogenetic location: 17q12.
Variant type: single nucleotide variant.
Coding change: c.435C>G on transcript NM_016507.4 (MANE Select); coding-DNA position 435, C replaced by G.
Protein change: p.Asp145Glu; replaces aspartic acid 145 with glutamic acid.
Molecular consequence: missense variant.
Genome position (GRCh38, 1-based): chr17:39,462,506, C>G. VCF-style: chr17-39462506-C-G. GRCh37 (hg19) VCF-style: chr17-37618759-C-G.
Other names: c.435C>G, p.Asp145Glu (NM_015083.4); short protein forms D145E.
Identifiers: ClinVar variation 4224186 (VCV004224186.1).

ClinVar aggregate classification (germline): Uncertain significance (1 of 4 stars; one submission).

Submission:

Ambry Genetics
Classification: Uncertain significance. Last evaluated: 2025-06-15. Review status: criteria provided, single submitter. Criteria: Ambry Variant Classification Scheme 2023. Collection method: clinical testing. Allele origin: germline.
Comment: The p.D145E variant (also known as c.435C>G), located in coding exon 1 of the CDK12 gene, results from a C to G substitution at nucleotide position 435. The aspartic acid at codon 145 is replaced by glutamic acid, an amino acid with highly similar properties. This amino acid position is conserved. In addition, this alteration is predicted to be tolerated by in silico analysis. Based on the available evidence, the clinical significance of this variant remains unclear.